The following is an entry in ClinVar:

NM_000400.4(ERCC2):c.671A>G (p.Glu224Gly)

Gene: ERCC2 (ERCC excision repair 2, TFIIH core complex helicase subunit; minus strand). Cytogenetic location: 19q13.32.
Variant type: single nucleotide variant.
Coding change: c.671A>G on transcript NM_000400.4 (MANE Select); coding-DNA position 671, A replaced by G.
Protein change: p.Glu224Gly; replaces glutamic acid 224 with glycine.
Molecular consequence: missense variant.
Genome position (GRCh38, 1-based): chr19:45,364,471, T>C on the plus strand (A>G on the coding strand, the complement: ERCC2 is on the minus strand). VCF-style: chr19-45364471-T-C. GRCh37 (hg19) VCF-style: chr19-45867729-T-C.
Other names: c.599A>G, p.Glu200Gly (NM_001130867.2); short protein forms E224G, E200G.
Identifiers: ClinVar variation 1755080 (VCV001755080.2), dbSNP rs1972351972, ClinGen allele CA406374363.
Genomic context (GRCh38, chr19:45,364,471, plus strand): 5'-GCGCCCCCCTCACCAATGTTGTGGGCCTCGTCGAAGACCACGACGGCCTTGCGGGCCAGT[T>C]CCTTGGACACCAGGTCTGCAATCTTGGGGTCCAGGAGGTAGTGGTAGCTATAAACCACCA-3'
Protein context (NP_000391.1, residues 214-234): DPKIADLVSK[Glu224Gly]LARKAVVVFD

ClinVar aggregate classification (germline): Uncertain significance (1 of 4 stars; one submission).

Conditions:
Inborn genetic diseases. Identifiers: MedGen C0950123, MeSH D030342.

Allele frequency attached by ClinVar (database versions not stated): gnomAD exomes below 0.00001.
gnomAD v4.1: 4 of 1,613,998 alleles (0.00025%); highest among the groups gnomAD compares: Middle Eastern, 0.017%; no homozygotes.

Submission:

Ambry Genetics
Classification: Uncertain significance for Inborn genetic diseases. Last evaluated: 2021-10-30. Review status: criteria provided, single submitter. Criteria: Ambry Variant Classification Scheme 2023. Collection method: clinical testing. Allele origin: germline.
Comment: The p.E224G variant (also known as c.671A>G), located in coding exon 8 of the ERCC2 gene, results from an A to G substitution at nucleotide position 671. The glutamic acid at codon 224 is replaced by glycine, an amino acid with similar properties. This amino acid position is conserved. In addition, the in silico prediction for this alteration is inconclusive. Since supporting evidence is limited at this time, the clinical significance of this alteration remains unclear.